The following is an entry in ClinVar:

NM_001005242.3(PKP2):c.259G>C (p.Val87Leu)

Gene: PKP2 (plakophilin 2; minus strand). Cytogenetic location: 12p11.21.
Variant type: single nucleotide variant.
Coding change: c.259G>C on transcript NM_001005242.3 (MANE Select); coding-DNA position 259, G replaced by C.
Protein change: p.Val87Leu; replaces valine 87 with leucine.
Molecular consequence: missense variant.
Genome position (GRCh38, 1-based): chr12:32,878,997, C>G on the plus strand (G>C on the coding strand, the complement: PKP2 is on the minus strand). VCF-style: chr12-32878997-C-G. GRCh37 (hg19) VCF-style: chr12-33031931-C-G.
Other names: c.259G>C, p.Val87Leu (NM_004572.4); short protein forms V87L.
Identifiers: ClinVar variation 464428 (VCV000464428.16), dbSNP rs750028032, ClinGen allele CA036221.
Genomic context (GRCh38, chr12:32,878,997, plus strand): 5'-TTTTAGGAACAGGGGAACGGCCTCCAACAAAATCATTTTCAACCAAGTGTAGGTTGTAGA[C>G]ATACTCAGGAACACTGCTGGTTCGGTGAAGATTTCCTGCAATCAAGCAAATATTAAAATA-3'
Protein context (NP_001005242.2, residues 77-97): LHRTSSVPEY[Val87Leu]YNLHLVENDF

ClinVar aggregate classification (germline): Uncertain significance. Review status: criteria provided, multiple submitters, no conflicts (2 of 4 stars). 5 submissions from 5 submitters: Uncertain significance (5). Last evaluated 2026-01-27.

Conditions:
Cardiovascular phenotype. Identifiers: MedGen CN230736.
Cardiomyopathy (CMYO). Also called: Cardiomyopathies. Identifiers: Orphanet 167848, MedGen C0878544, MONDO:0004994, HP:0001638. Inheritance: Various modes of inheritance.
Arrhythmogenic right ventricular cardiomyopathy (ARVD). Also called: Cardiomyopathy, ARVC; Arrhythmogenic right ventricular dysplasia; Arrhythmogenic cardiomyopathy; Arrhythmogenic Right Ventricular Cardiomyopathy (ARVC). Identifiers: Orphanet 247, MedGen C0349788, MeSH D019571, MONDO:0016587. Disease mechanism: loss of function. Inheritance: Various modes of inheritance.
Arrhythmogenic right ventricular dysplasia 9 (ARVD9). Also called: Arrhythmogenic Right Ventricular Dysplasia/Cardiomyopathy 9; ARRHYTHMOGENIC RIGHT VENTRICULAR DYSPLASIA, FAMILIAL, 9. Identifiers: MedGen C1836906, MONDO:0012180, OMIM 609040.

Allele frequency attached by ClinVar (database versions not stated): ExAC 0.00001; gnomAD exomes 0.00001; TOPMed 0.00002; gnomAD 0.00003.
gnomAD v4.1: 18 of 1,604,804 alleles (0.0011%); highest among the groups gnomAD compares: Non-Finnish European, 0.0014%; no homozygotes.

Submissions (5):

Labcorp Genetics (formerly Invitae), Labcorp
Classification: Uncertain significance for Arrhythmogenic right ventricular dysplasia 9. Last evaluated: 2026-01-27. Review status: criteria provided, single submitter. Criteria: Invitae Variant Classification Sherloc (09022015). Collection method: clinical testing. Allele origin: germline.
Comment: This sequence change replaces valine, which is neutral and non-polar, with leucine, which is neutral and non-polar, at codon 87 of the PKP2 protein (p.Val87Leu). This variant is present in population databases (rs750028032, gnomAD 0.002%). This missense change has been observed in individual(s) with arrhythmogenic cardiomyopathy and/or arrhythmogenic right ventricular cardiomyopathy, hypertrophic cardiomyopathy (PMID: 20400443, 25351510, 33652588). ClinVar contains an entry for this variant (Variation ID: 464428). An algorithm developed to predict the effect of missense changes on protein structure and function (PolyPhen-2) suggests that this variant is likely to be disruptive. In summary, the available evidence is currently insufficient to determine the role of this variant in disease. Therefore, it has been classified as a Variant of Uncertain Significance.

Color Diagnostics, LLC DBA Color Health
Classification: Uncertain significance for Cardiomyopathy. Last evaluated: 2025-11-25. Review status: criteria provided, single submitter. Criteria: ACMG Guidelines, 2015. Collection method: clinical testing. Allele origin: germline.
Comment: This missense variant replaces valine with leucine at codon 87 of the PKP2 protein. Computational prediction suggests that this variant may not impact protein structure and function. To our knowledge, functional studies have not been reported for this variant. This variant has been reported in two individuals affected with arrhythmogenic cardiomyopathy (PMID: 20400443, 30790397, 33652588) and in an individual affected with hypertrophic cardiomyopathy (PMID: 25351510). This variant has been observed in three individuals affected with arrhythmogenic cardiomyopathy in the compound heterozygous state with another pathogenic truncating variant in the same gene that could explain the observed phenotype (PMID: 20400443, 30790397). This variant has been identified in 18/1604804 chromosomes in the general population by the Genome Aggregation Database (gnomAD). The available evidence is insufficient to determine the role of this variant in disease conclusively. Therefore, this variant is classified as a Variant of Uncertain Significance.

All of Us Research Program, National Institutes of Health
Classification: Uncertain significance for Arrhythmogenic right ventricular cardiomyopathy. Last evaluated: 2024-08-23. Review status: criteria provided, single submitter. Criteria: ACMG Guidelines, 2015. Collection method: clinical testing. Allele origin: germline. Inheritance: Autosomal dominant inheritance. Observed: 8 variant alleles, 8 heterozygotes.
Comment: This missense variant replaces valine with leucine at codon 87 of the PKP2 protein. Computational prediction suggests that this variant may not impact protein structure and function. To our knowledge, functional studies have not been reported for this variant. This variant has been reported in two individuals affected with arrhythmogenic cardiomyopathy (PMID: 20400443, 30790397, 33652588) and in an individual affected with hypertrophic cardiomyopathy (PMID: 25351510). This variant has been observed in three individuals affected with arrhythmogenic cardiomyopathy in the compound heterozygous state with another pathogenic truncating variant in the same gene that could explain the observed phenotype (PMID: 20400443, 30790397). This variant has been identified in 4/282806 chromosomes in the general population by the Genome Aggregation Database (gnomAD). The available evidence is insufficient to determine the role of this variant in disease conclusively. Therefore, this variant is classified as a Variant of Uncertain Significance.

This study involves interpretation of variants in research participants for the purpose of population health screening. Participant phenotype was not available at the time of variant classification. Additional details can be found in publication PMID: 35346344, PMCID: PMC8962531

Ambry Genetics
Classification: Uncertain significance for Cardiovascular phenotype. Last evaluated: 2024-01-08. Review status: criteria provided, single submitter. Criteria: Ambry Variant Classification Scheme 2023. Collection method: clinical testing. Allele origin: germline.
Comment: The p.V87L variant (also known as c.259G>C), located in coding exon 2 of the PKP2 gene, results from a G to C substitution at nucleotide position 259. The valine at codon 87 is replaced by leucine, an amino acid with highly similar properties. This alteration has been reported in arrhythmogenic right ventricular cardiomyopathy (ARVC) cohorts; however, clinical details were limited and an additional alteration in PKP2 was identified in a case (Fressart V et al. Europace, 2010 Jun;12:861-8; Mates J et al. Eur J Hum Genet, 2018 Jul;26:1014-1025; Hermida A et al. Eur J Heart Fail, 2019 Jun;21:792-800; Vallverd&uacute;-Prats M et al. J Pers Med, 2021 Feb;11:[ePub ahead of print]). Additionally, this alteration has been reported in a hypertrophic cardiomyopathy (HCM) cohort; however, clinical details were limited (Lopes LR et al. Heart, 2015 Feb;101:294-301). This amino acid position is highly conserved in available vertebrate species. In addition, the in silico prediction for this alteration is inconclusive. Since supporting evidence is limited at this time, the clinical significance of this alteration remains unclear.

Fulgent Genetics
Classification: Uncertain significance for Arrhythmogenic right ventricular dysplasia 9. Last evaluated: 2021-07-14. Review status: criteria provided, single submitter. Criteria: ACMG Guidelines, 2015. Collection method: clinical testing. Allele origin: unknown.

Literature cited by the submitters: PubMed 20400443 (cited by 4 submitters); PubMed 25351510 (cited by 4 submitters); PubMed 33652588 (cited by 4 submitters); PubMed 30790397 (cited by 3 submitters); PubMed 29511324 (cited by Ambry Genetics).